The following is an entry in ClinVar:

ClinVar aggregate classification (germline): Uncertain significance (1 of 4 stars; one submission).

Conditions:
Brachyolmia-amelogenesis imperfecta syndrome. Also called: Tooth agenesis, selective, 6; Dental anomalies and short stature; PLATYSPONDYLY WITH AMELOGENESIS IMPERFECTA. Identifiers: Orphanet 2899, MedGen C1832594, MONDO:0011018, OMIM 601216. Disease mechanism: loss of function.

Allele frequency attached by ClinVar (database versions not stated): gnomAD exomes below 0.00001.
gnomAD v4.1: 1 of 1,584,930 alleles (0.000063%); highest among the groups gnomAD compares: Admixed American, 0.0017%; no homozygotes.

Submission:

Labcorp Genetics (formerly Invitae), Labcorp
Classification: Uncertain significance for Brachyolmia-amelogenesis imperfecta syndrome. Last evaluated: 2022-08-31. Review status: criteria provided, single submitter. Criteria: Invitae Variant Classification Sherloc (09022015). Collection method: clinical testing. Allele origin: germline.
Comment: This sequence change replaces leucine, which is neutral and non-polar, with proline, which is neutral and non-polar, at codon 57 of the LTBP3 protein (p.Leu57Pro). This variant is not present in population databases (gnomAD no frequency). This variant has not been reported in the literature in individuals affected with LTBP3-related conditions. Algorithms developed to predict the effect of missense changes on protein structure and function are either unavailable or do not agree on the potential impact of this missense change (SIFT: "Deleterious"; PolyPhen-2: "Not Available"; Align-GVGD: "Class C0"). In summary, the available evidence is currently insufficient to determine the role of this variant in disease. Therefore, it has been classified as a Variant of Uncertain Significance.

NM_001130144.3(LTBP3):c.170T>C (p.Leu57Pro)

Gene: LTBP3 (latent transforming growth factor beta binding protein 3; minus strand). Cytogenetic location: 11q13.1.
Variant type: single nucleotide variant.
Coding change: c.170T>C on transcript NM_001130144.3 (MANE Select); coding-DNA position 170, T replaced by C.
Protein change: p.Leu57Pro; replaces leucine 57 with proline.
Molecular consequence: missense variant. On other transcripts: 5 prime UTR variant (1).
Genome position (GRCh38, 1-based): chr11:65,557,790, A>G on the plus strand (T>C on the coding strand, the complement: LTBP3 is on the minus strand). VCF-style: chr11-65557790-A-G. GRCh37 (hg19) VCF-style: chr11-65325261-A-G.
Other names: c.-178T>C (NM_001164266.1); c.170T>C, p.Leu57Pro (NM_021070.4); short protein forms L57P.
Identifiers: ClinVar variation 1989114 (VCV001989114.4), dbSNP rs2496186847, ClinGen allele CA381278399.
Genomic context (GRCh38, chr11:65,557,790, plus strand): 5'-TTGAGACAGGTCCGCTTGCAGATCACCGGCGCAAAGACCACCTTGAAGCGCTCGCGGGCC[A>G]GCGCCCCGCCCCCGCCTGCGCCCCGCTCGCCGGCCGGCCCCCCCTCGACCCTGCCGCCCA-3'
Protein context (NP_001123616.1, residues 47-67): GERGAGGGGA[Leu57Pro]ARERFKVVFA